The following is an entry in ClinVar:

ClinVar aggregate classification (germline): Benign. Review status: criteria provided, multiple submitters, no conflicts (2 of 4 stars). 9 submissions from 9 submitters: Benign (6). 3 of the submissions do not count toward it. Last evaluated 2026-02-03.

Conditions:
Hereditary sensory and autonomic neuropathy with spastic paraplegia (HSNSP). Identifiers: Orphanet 139578, MedGen C1850395, MONDO:0009748, OMIM 256840.

Allele frequency attached by ClinVar (database versions not stated): 1000 Genomes Project 30x 0.68442; 1000 Genomes Project 0.69249; ESP Exome Variant Server 0.72736; TOPMed 0.73490; gnomAD 0.74241 and 0.74494.
gnomAD v4.1: 1,342,495 of 1,613,930 alleles (83%); highest among the groups gnomAD compares: East Asian, 89%; 565,720 homozygotes.

Submissions (9):

Labcorp Genetics (formerly Invitae), Labcorp
Classification: Benign for Hereditary sensory and autonomic neuropathy with spastic paraplegia. Last evaluated: 2026-02-03. Review status: criteria provided, single submitter. Criteria: Invitae Variant Classification Sherloc (09022015). Collection method: clinical testing. Allele origin: germline.

Genome-Nilou Lab
Classification: Benign for Hereditary sensory and autonomic neuropathy with spastic paraplegia. Last evaluated: 2021-07-14. Review status: criteria provided, single submitter. Criteria: ACMG Guidelines, 2015. Collection method: clinical testing. Allele origin: germline. Affected: no.

Illumina Laboratory Services, Illumina
Classification: Benign for Hereditary sensory and autonomic neuropathy with spastic paraplegia. Last evaluated: 2018-01-13. Review status: criteria provided, single submitter. Criteria: ICSL Variant Classification Criteria 13 December 2019. Collection method: clinical testing. Allele origin: germline.
Comment: This variant was observed in the ICSL laboratory as part of a predisposition screen in an ostensibly healthy population. It had not been previously curated by ICSL or reported in the Human Gene Mutation Database (HGMD: prior to June 1st, 2018), and was therefore a candidate for classification through an automated scoring system. Utilizing variant allele frequency, disease prevalence and penetrance estimates, and inheritance mode, an automated score was calculated to assess if this variant is too frequent to cause the disease. Based on the score and internal cut-off values, a variant classified as benign is not then subjected to further curation. The score for this variant resulted in a classification of benign for this disease.

Mayo Clinic Laboratories, Mayo Clinic
Classification: Benign. Last evaluated: 2015-08-21. Review status: criteria provided, single submitter. Criteria: ACMG Guidelines, 2015. Collection method: clinical testing. Allele origin: germline. Observed: 740 variant alleles.

GeneDx
Classification: Benign. Last evaluated: 2015-03-03. Review status: criteria provided, single submitter. Criteria: GeneDx Variant Classification Process June 2021. Collection method: clinical testing. Allele origin: germline. Affected: yes.

Breakthrough Genomics
Classification: Benign. Review status: criteria provided, single submitter. Criteria: ACMG Guidelines, 2015. Collection method: not provided. Allele origin: germline. Inheritance: Autosomal recessive inheritance. Affected: yes.

Clinical Genetics, Academic Medical Center
Classification: Benign. Review status: no assertion criteria provided. Collection method: clinical testing. Allele origin: germline. Affected: yes. Study: VKGL Data-share Consensus. Not counted in ClinVar's aggregate classification.

Diagnostic Laboratory, Department of Genetics, University Medical Center Groningen
Classification: Benign for Hereditary sensory and autonomic neuropathy with spastic paraplegia. Review status: no assertion criteria provided. Collection method: clinical testing. Allele origin: germline. Affected: yes. Study: VKGL Data-share Consensus. Not counted in ClinVar's aggregate classification.

Joint Genome Diagnostic Labs from Nijmegen and Maastricht, Radboudumc and MUMC+
Classification: Benign. Review status: no assertion criteria provided. Collection method: clinical testing. Allele origin: germline. Affected: yes. Study: VKGL Data-share Consensus. Not counted in ClinVar's aggregate classification.

NM_012073.5(CCT5):c.426T>C (p.Arg142=)

Gene: CCT5 (chaperonin containing TCP1 subunit 5; plus strand). Cytogenetic location: 5p15.2.
Variant type: single nucleotide variant.
Coding change: c.426T>C on transcript NM_012073.5 (MANE Select); coding-DNA position 426, T replaced by C.
Protein change: p.Arg142=; no amino-acid change (arginine 142 retained).
Molecular consequence: synonymous variant.
Genome position (GRCh38, 1-based): chr5:10,256,049, T>C. VCF-style: chr5-10256049-T-C. GRCh37 (hg19) VCF-style: chr5-10256161-T-C.
Other names: p.Arg142=; c.426T>C (NM_012073.4); c.363T>C, p.Arg121= (NM_001306153.1); c.261T>C, p.Arg87= (NM_001306154.2); c.147T>C, p.Arg49= (NM_001306155.2); c.312T>C, p.Arg104= (NM_001306156.2).
Identifiers: ClinVar variation 350249 (VCV000350249.23), dbSNP rs1042392, ClinGen allele CA3198068.